The following is an entry in ClinVar:

NM_001044.5(SLC6A3):c.554A>G (p.Asn185Ser)

Gene: SLC6A3 (solute carrier family 6 member 3). Cytogenetic location: 5p15.33.
Variant type: single nucleotide variant.
Coding change: c.554A>G on transcript NM_001044.5 (MANE Select); coding-DNA position 554, A replaced by G.
Protein change: p.Asn185Ser; replaces asparagine 185 with serine.
Molecular consequence: missense variant.
Genome position (GRCh38, 1-based): chr5:1,432,563, T>C on the plus strand (A>G on the coding strand, the complement: SLC6A3 is on the minus strand). VCF-style: chr5-1432563-T-C. GRCh37 (hg19) VCF-style: chr5-1432678-T-C.
Other names: short protein forms N185S.
Identifiers: ClinVar variation 2089986 (VCV002089986.4), dbSNP rs2477404238, ClinGen allele CA359060560.

ClinVar aggregate classification (germline): Uncertain significance (1 of 4 stars; one submission).

Conditions:
Parkinsonism-dystonia, infantile. Identifiers: Orphanet 238455, MedGen C2751067, MONDO:0013150.

Submission:

Labcorp Genetics (formerly Invitae), Labcorp
Classification: Uncertain significance for Parkinsonism-dystonia, infantile. Last evaluated: 2022-01-26. Review status: criteria provided, single submitter. Criteria: Invitae Variant Classification Sherloc (09022015). Collection method: clinical testing. Allele origin: germline.
Comment: In summary, the available evidence is currently insufficient to determine the role of this variant in disease. Therefore, it has been classified as a Variant of Uncertain Significance. Algorithms developed to predict the effect of missense changes on protein structure and function (SIFT, PolyPhen-2, Align-GVGD) all suggest that this variant is likely to be disruptive. This variant has not been reported in the literature in individuals affected with SLC6A3-related conditions. This variant is not present in population databases (gnomAD no frequency). This sequence change replaces asparagine, which is neutral and polar, with serine, which is neutral and polar, at codon 185 of the SLC6A3 protein (p.Asn185Ser).